The following is an entry in ClinVar:

ClinVar aggregate classification (germline): Uncertain significance (1 of 4 stars; one submission).

Submission:

GeneDx
Classification: Uncertain significance. Last evaluated: 2023-09-05. Review status: criteria provided, single submitter. Criteria: GeneDx Variant Classification Process June 2021. Collection method: clinical testing. Allele origin: germline. Affected: yes.
Comment: Reported as a de novo variant in a patient with a developmental disorder in published literature; however, no further phenotypic information was provided (Deciphering Developmental Disorders Study, 2017); Not observed at significant frequency in large population cohorts (gnomAD); In silico analysis supports that this missense variant has a deleterious effect on protein structure/function and splicing; This variant is associated with the following publications: (PMID: 31785789, 28135719)

NM_022552.5(DNMT3A):c.2327A>G (p.Asn776Ser)

Gene: DNMT3A (DNA methyltransferase 3 alpha; minus strand). Cytogenetic location: 2p23.3.
Variant type: single nucleotide variant.
Coding change: c.2327A>G on transcript NM_022552.5 (MANE Select); coding-DNA position 2327, A replaced by G.
Protein change: p.Asn776Ser; replaces asparagine 776 with serine.
Molecular consequence: missense variant. On other transcripts: non-coding transcript variant (1).
Genome position (GRCh38, 1-based): chr2:25,239,211, T>C on the plus strand (A>G on the coding strand, the complement: DNMT3A is on the minus strand). VCF-style: chr2-25239211-T-C. GRCh37 (hg19) VCF-style: chr2-25462080-T-C.
Other names: c.1871A>G, p.Asn624Ser (NM_001320893.1); c.1658A>G, p.Asn553Ser (NM_001375819.1); c.1760A>G, p.Asn587Ser (NM_153759.3); c.2327A>G, p.Asn776Ser (NM_175629.2); short protein forms N553S, N587S, N624S, N776S.
Identifiers: ClinVar variation 3340576 (VCV003340576.1).